The following is an entry in ClinVar:

NM_001184880.2(PCDH19):c.830_832del (p.Phe277del)

Gene: PCDH19 (protocadherin 19; minus strand). Cytogenetic location: Xq22.1.
Variant type: Deletion.
Coding change: c.830_832del on transcript NM_001184880.2 (MANE Select); coding-DNA positions 830 to 832, 3 bases deleted (TCT; older notation c.830_832delTCT).
Protein change: p.Phe277del; deletes phenylalanine 277.
Molecular consequence: inframe deletion.
Genome position (GRCh38, 1-based): chrX:100,407,766-100,407,768, AGA deleted on the plus strand (TCT on the coding strand, the reverse complement: PCDH19 is on the minus strand); deleting any 3 consecutive bases within chrX:100,407,766-100,407,770 gives the same sequence; the c. name uses the placement nearest the transcript's 3' end. VCF-style (leftmost placement, unchanged base first): chrX-100407765-TAGA-T. GRCh37 (hg19) VCF-style: chrX-99662763-TAGA-T.
Other names: c.830_832del, p.Phe277del (NM_001105243.2, NM_020766.3); short protein forms F277del.
Identifiers: ClinVar variation 2816530 (VCV002816530.3), dbSNP rs2520989146, ClinGen allele CA2694246050.

ClinVar aggregate classification (germline): Uncertain significance (1 of 4 stars; one submission).

Conditions:
Developmental and epileptic encephalopathy, 9 (DEE9). Also called: Early infantile epileptic encephalopathy 9; PCDH19-Related X-Linked Female-Limited Epilepsy with Mental Retardation; JUBERG-HELLMAN SYNDROME; EPILEPSY, FEMALE-RESTRICTED, WITH MENTAL RETARDATION. Identifiers: Orphanet 101039, Orphanet 2076, MedGen C1848137, MONDO:0010246, OMIM 300088. Disease mechanism: loss of function.

Submission:

Labcorp Genetics (formerly Invitae), Labcorp
Classification: Uncertain significance for Developmental and epileptic encephalopathy, 9. Last evaluated: 2022-11-24. Review status: criteria provided, single submitter. Criteria: Invitae Variant Classification Sherloc (09022015). Collection method: clinical testing. Allele origin: germline.
Comment: In summary, the available evidence is currently insufficient to determine the role of this variant in disease. Therefore, it has been classified as a Variant of Uncertain Significance. Experimental studies and prediction algorithms are not available or were not evaluated, and the functional significance of this variant is currently unknown. This variant has not been reported in the literature in individuals affected with PCDH19-related conditions. This variant is not present in population databases (gnomAD no frequency). This variant, c.830_832del, results in the deletion of 1 amino acid(s) of the PCDH19 protein (p.Phe277del), but otherwise preserves the integrity of the reading frame.